The following is an entry in ClinVar:

ClinVar aggregate classification (germline): Uncertain significance (1 of 4 stars; one submission).

Allele frequency attached by ClinVar (database versions not stated): TOPMed 0.00001; gnomAD 0.00001.
gnomAD v4.1: 2 of 1,614,088 alleles (0.00012%); highest among the groups gnomAD compares: African/African-American, 0.0027%; no homozygotes.

Submission:

Labcorp Genetics (formerly Invitae), Labcorp
Classification: Uncertain significance. Last evaluated: 2022-09-07. Review status: criteria provided, single submitter. Criteria: Invitae Variant Classification Sherloc (09022015). Collection method: clinical testing. Allele origin: germline.
Comment: This variant is not present in population databases (gnomAD no frequency). In summary, the available evidence is currently insufficient to determine the role of this variant in disease. Therefore, it has been classified as a Variant of Uncertain Significance. Algorithms developed to predict the effect of missense changes on protein structure and function are either unavailable or do not agree on the potential impact of this missense change (SIFT: "Deleterious"; PolyPhen-2: "Probably Damaging"; Align-GVGD: "Class C0"). This variant has not been reported in the literature in individuals affected with KCNJ13-related conditions. This sequence change replaces phenylalanine, which is neutral and non-polar, with serine, which is neutral and polar, at codon 265 of the KCNJ13 protein (p.Phe265Ser).

NM_002242.4(KCNJ13):c.794T>C (p.Phe265Ser)

Genes: GIGYF2 (GRB10 interacting GYF protein 2; plus strand), KCNJ13 (potassium inwardly rectifying channel subfamily J member 13; minus strand). Cytogenetic location: 2q37.1.
Variant type: single nucleotide variant.
Coding change: c.794T>C on transcript NM_002242.4 (MANE Select); coding-DNA position 794, T replaced by C.
Protein change: p.Phe265Ser; replaces phenylalanine 265 with serine.
Molecular consequence: missense variant. On other transcripts: 3 prime UTR variant (1), intron variant (4).
Genome position (GRCh38, 1-based): chr2:232,768,480, A>G on the plus strand (T>C on the coding strand, the complement: KCNJ13 is on the minus strand). VCF-style: chr2-232768480-A-G. GRCh37 (hg19) VCF-style: chr2-233633190-A-G.
Other names: c.*273T>C (NM_001172416.1); c.554T>C, p.Phe185Ser (NM_001172417.1); c.532+7044A>G (NM_001103146.3, NM_015575.4, NM_001103147.2 and 1 more transcripts); short protein forms F185S, F265S.
Identifiers: ClinVar variation 2070772 (VCV002070772.4), dbSNP rs1407691972, ClinGen allele CA351009051.